The following is an entry in ClinVar:

NM_014679.5(CEP57):c.880G>A (p.Gly294Arg)

Gene: CEP57 (centrosomal protein 57; plus strand). Cytogenetic location: 11q21.
Variant type: single nucleotide variant.
Coding change: c.880G>A on transcript NM_014679.5 (MANE Select); coding-DNA position 880, G replaced by A.
Protein change: p.Gly294Arg; replaces glycine 294 with arginine.
Molecular consequence: missense variant. On other transcripts: intron variant (1).
Genome position (GRCh38, 1-based): chr11:95,822,571, G>A. VCF-style: chr11-95822571-G-A. GRCh37 (hg19) VCF-style: chr11-95555735-G-A.
Other names: c.853G>A, p.Gly285Arg (NM_001243776.2); c.799G>A, p.Gly267Arg (NM_001363604.2); c.807+593G>A (NM_001243777.2); short protein forms G294R, G285R, G267R.
Identifiers: ClinVar variation 1428447 (VCV001428447.8), dbSNP rs2135354636, ClinGen allele CA382405869.

ClinVar aggregate classification (germline): Uncertain significance (1 of 4 stars; one submission).

Conditions:
Mosaic variegated aneuploidy syndrome 2 (MVA2). Identifiers: Orphanet 1052, MedGen C3279843, MONDO:0013582, OMIM 614114.

Submission:

Labcorp Genetics (formerly Invitae), Labcorp
Classification: Uncertain significance for Mosaic variegated aneuploidy syndrome 2. Last evaluated: 2021-04-15. Review status: criteria provided, single submitter. Criteria: Invitae Variant Classification Sherloc (09022015). Collection method: clinical testing. Allele origin: germline.
Comment: In summary, the available evidence is currently insufficient to determine the role of this variant in disease. Therefore, it has been classified as a Variant of Uncertain Significance. Algorithms developed to predict the effect of missense changes on protein structure and function (SIFT, PolyPhen-2, Align-GVGD) all suggest that this variant is likely to be disruptive, but these predictions have not been confirmed by published functional studies and their clinical significance is uncertain. This variant has not been reported in the literature in individuals with CEP57-related conditions. This variant is not present in population databases (ExAC no frequency). This sequence change replaces glycine with arginine at codon 294 of the CEP57 protein (p.Gly294Arg). The glycine residue is highly conserved and there is a moderate physicochemical difference between glycine and arginine.